The following is an entry in ClinVar:

NM_032043.3(BRIP1):c.2663A>T (p.His888Leu)

Gene: BRIP1 (BRCA1 interacting DNA helicase 1; minus strand). Cytogenetic location: 17q23.2.
Variant type: single nucleotide variant.
Coding change: c.2663A>T on transcript NM_032043.3 (MANE Select); coding-DNA position 2663, A replaced by T.
Protein change: p.His888Leu; replaces histidine 888 with leucine.
Molecular consequence: missense variant.
Genome position (GRCh38, 1-based): chr17:61,686,078, T>A on the plus strand (A>T on the coding strand, the complement: BRIP1 is on the minus strand). VCF-style: chr17-61686078-T-A. GRCh37 (hg19) VCF-style: chr17-59763439-T-A.
Other names: short protein forms H888L.
Identifiers: ClinVar variation 1172087 (VCV001172087.6), dbSNP rs2061359359, ClinGen allele CA400481830.

ClinVar aggregate classification (germline): Uncertain significance. Review status: criteria provided, multiple submitters, no conflicts (2 of 4 stars). 3 submissions from 3 submitters: Uncertain significance (3). Last evaluated 2024-03-06.

Conditions:
Familial ovarian cancer. Identifiers: MedGen C5679802, MONDO:0016248.
Hereditary cancer-predisposing syndrome. Also called: Tumor predisposition; Hereditary neoplastic syndrome; Hereditary Cancer Syndrome; Neoplastic Syndromes, Hereditary. Identifiers: Orphanet 140162, MedGen C0027672, MeSH D009386, MONDO:0015356.

Allele frequency attached by ClinVar (database versions not stated): gnomAD exomes below 0.00001.
gnomAD v4.1: 1 of 1,614,088 alleles (0.000062%); no homozygotes.

Submissions (3):

Color Diagnostics, LLC DBA Color Health
Classification: Uncertain significance for Hereditary cancer-predisposing syndrome. Last evaluated: 2024-03-06. Review status: criteria provided, single submitter. Criteria: ACMG Guidelines, 2015. Collection method: clinical testing. Allele origin: germline.
Comment: This missense variant replaces histidine with leucine at codon 888 of the BRIP1 protein. Computational prediction suggests that this variant may not impact protein structure and function (internally defined REVEL score threshold <= 0.5, PMID: 27666373). To our knowledge, functional studies have not been reported for this variant. This variant has not been reported in individuals affected with hereditary cancer in the literature. This variant has not been identified in the general population by the Genome Aggregation Database (gnomAD). The available evidence is insufficient to determine the role of this variant in disease conclusively. Therefore, this variant is classified as a Variant of Uncertain Significance.

Ambry Genetics
Classification: Uncertain significance for Hereditary cancer-predisposing syndrome. Last evaluated: 2021-11-01. Review status: criteria provided, single submitter. Criteria: Ambry Variant Classification Scheme 2023. Collection method: clinical testing. Allele origin: germline.
Comment: The p.H888L variant (also known as c.2663A>T), located in coding exon 18 of the BRIP1 gene, results from an A to T substitution at nucleotide position 2663. The histidine at codon 888 is replaced by leucine, an amino acid with similar properties. This amino acid position is conserved. In addition, the in silico prediction for this alteration is inconclusive. Since supporting evidence is limited at this time, the clinical significance of this alteration remains unclear.

Department of Pathology and Laboratory Medicine, Sinai Health System
Classification: Uncertain significance for familial ovarian cancer. Last evaluated: 2021-10-06. Review status: criteria provided, single submitter. Criteria: ACMG Guidelines, 2015. Collection method: clinical testing. Allele origin: germline. Affected: no.